The following is an entry in ClinVar:

ClinVar aggregate classification (germline): Likely benign. Review status: criteria provided, single submitter (1 of 4 stars). 2 submissions from 2 submitters: Likely benign (1). 1 of the submissions does not count toward it. Last evaluated 2022-01-31.

Conditions:
ATP1A3-related disorder. Also called: ATP1A3-related condition; ATP1A3-related disorders. Identifiers: MedGen CN381097.
Dystonia 12 (DYT12). Also called: DYT-ATP1A3; Rapid-Onset Dystonia-Parkinsonism (RDP). Identifiers: Orphanet 71517, MedGen C1868681, MONDO:0007496, OMIM 128235.

Allele frequency attached by ClinVar (database versions not stated): ExAC 0.00001; TOPMed 0.00002.
gnomAD v4.1: 1 of 1,614,094 alleles (0.000062%); no homozygotes.

Submissions (2):

Labcorp Genetics (formerly Invitae), Labcorp
Classification: Likely benign for Dystonia 12. Last evaluated: 2022-01-31. Review status: criteria provided, single submitter. Criteria: Invitae Variant Classification Sherloc (09022015). Collection method: clinical testing. Allele origin: germline.

PreventionGenetics, part of Exact Sciences
Classification: Likely benign for ATP1A3-related condition. Last evaluated: 2021-01-19. Review status: no assertion criteria provided. Collection method: clinical testing. Allele origin: germline. Not counted in ClinVar's aggregate classification.
Comment: This variant is classified as likely benign based on ACMG/AMP sequence variant interpretation guidelines (Richards et al. 2015 PMID: 25741868, with internal and published modifications).

NM_152296.5(ATP1A3):c.2331C>T (p.Ile777=)

Gene: ATP1A3 (ATPase Na+/K+ transporting subunit alpha 3; minus strand). Cytogenetic location: 19q13.2.
Variant type: single nucleotide variant.
Coding change: c.2331C>T on transcript NM_152296.5 (MANE Select); coding-DNA position 2331, C replaced by T.
Protein change: p.Ile777=; no amino-acid change (isoleucine 777 retained).
Molecular consequence: synonymous variant.
Genome position (GRCh38, 1-based): chr19:41,970,475, G>A on the plus strand (C>T on the coding strand, the complement: ATP1A3 is on the minus strand). VCF-style: chr19-41970475-G-A. GRCh37 (hg19) VCF-style: chr19-42474627-G-A.
Other names: c.2370C>T (NM_001256214.1); c.2364C>T, p.Ile788= (NM_001256213.2); c.2370C>T, p.Ile790= (NM_001256214.2).
Identifiers: ClinVar variation 1142314 (VCV001142314.11), dbSNP rs782443507, ClinGen allele CA9467413.